The following is an entry in ClinVar:

NM_181351.5(NCAM1):c.2295C>T (p.Pro765=)

Genes: NCAM1 (neural cell adhesion molecule 1; plus strand), NCAM1-AS1 (NCAM1 antisense RNA 1; minus strand). Cytogenetic location: 11q23.2.
Variant type: single nucleotide variant.
Coding change: c.2295C>T on transcript NM_181351.5 (MANE Select); coding-DNA position 2295, C replaced by T.
Protein change: p.Pro765=; no amino-acid change (proline 765 retained).
Molecular consequence: synonymous variant. On other transcripts: non-coding transcript variant (1).
Genome position (GRCh38, 1-based): chr11:113,270,351, C>T. VCF-style: chr11-113270351-C-T. GRCh37 (hg19) VCF-style: chr11-113141073-C-T.
Other names: c.2265C>T, p.Pro755= (NM_000615.7); c.2373C>T, p.Pro791= (NM_001242607.2); c.2292C>T, p.Pro764= (NM_001386290.1, NM_001400624.1); c.2262C>T, p.Pro754= (NM_001386292.1, NM_001400617.1, NM_001400622.1); c.1398C>T, p.Pro466= (NM_001400614.1, NM_001400619.1); c.2307C>T, p.Pro769= (NM_001400615.1); c.2370C>T, p.Pro790= (NM_001400616.1); c.2277C>T, p.Pro759= (NM_001400618.1, NM_001400620.1); and 2 more.
Identifiers: ClinVar variation 4821629 (VCV004821629.4).

ClinVar aggregate classification (germline): Likely benign (1 of 4 stars; one submission).

gnomAD v4.1: 128 of 1,613,966 alleles (0.0079%); highest among the groups gnomAD compares: East Asian, 0.18%; no homozygotes.

Submission:

CeGaT Center for Human Genetics Tuebingen
Classification: Likely benign. Last evaluated: 2026-01-01. Review status: criteria provided, single submitter. Criteria: CeGaT Center For Human Genetics Tuebingen Variant Classification Criteria Version 2. Collection method: clinical testing. Allele origin: germline. Affected: yes. Observed: 1 variant allele.
Comment: NCAM1: BP4, BP7